The following is an entry in ClinVar:

NM_001148.6(ANK2):c.10637T>C (p.Leu3546Pro)

Gene: ANK2 (ankyrin 2; plus strand). Cytogenetic location: 4q26.
Variant type: single nucleotide variant.
Coding change: c.10637T>C on transcript NM_001148.6 (MANE Select); coding-DNA position 10637, T replaced by C.
Protein change: p.Leu3546Pro; replaces leucine 3546 with proline.
Molecular consequence: missense variant. On other transcripts: intron variant (68).
Genome position (GRCh38, 1-based): chr4:113,359,255, T>C. VCF-style: chr4-113359255-T-C. GRCh37 (hg19) VCF-style: chr4-114280411-T-C.
Other names: c.10403T>C, p.Leu3468Pro (NM_001386142.1); c.7037T>C, p.Leu2346Pro (NM_001386166.1); c.10778T>C, p.Leu3593Pro (NM_001386174.1); c.10754T>C, p.Leu3585Pro (NM_001386175.1); c.4412-1568T>C (NM_001386186.2, NM_001386148.2); c.4214-1568T>C (NM_001354269.3); c.4292-1568T>C (NM_001386187.2); c.4253-1568T>C (NM_001386147.1); and 35 more; short protein forms L2346P, L3468P, L3546P, L3585P, L3593P.
Identifiers: ClinVar variation 3361905 (VCV003361905.1).
Genomic context (GRCh38, chr4:113,359,255, plus strand): 5'-ACTCAGTTCCTGAGGACATCTTTGACACAAGGCCCATTTGGGATGAGTCTATTGAGACTC[T>C]GATTGAACGCATCCCTGATGAAAATGGCCATGACCATGCTGAAGGTATTTGCCAGCCACC-3'
Protein context (NP_001139.3, residues 3536-3556): RPIWDESIET[Leu3546Pro]IERIPDENGH

ClinVar aggregate classification (germline): Uncertain significance (1 of 4 stars; one submission).

Submission:

GeneDx
Classification: Uncertain significance. Last evaluated: 2023-08-03. Review status: criteria provided, single submitter. Criteria: GeneDx Variant Classification Process June 2021. Collection method: clinical testing. Allele origin: germline. Affected: yes.
Comment: Has not been previously published as pathogenic or benign to our knowledge; Not observed at significant frequency in large population cohorts (gnomAD); Located in exon 38, which is reported as being expressed in a brain-specific transcript (PMID: 26109584, 1830053, 18790697); In silico analysis supports that this missense variant does not alter protein structure/function; This variant is associated with the following publications: (PMID: 26109584, 1830053, 18790697)